The following is an entry in ClinVar:

NM_020964.3(EPG5):c.4132G>T (p.Glu1378Ter)

Gene: EPG5 (ectopic P-granules 5 autophagy tethering factor; minus strand). Cytogenetic location: 18q21.1.
Variant type: single nucleotide variant.
Coding change: c.4132G>T on transcript NM_020964.3 (MANE Select); coding-DNA position 4132, G replaced by T.
Protein change: p.Glu1378Ter; replaces glutamic acid 1378 with a stop codon.
Molecular consequence: nonsense.
Genome position (GRCh38, 1-based): chr18:45,910,594, C>A on the plus strand (G>T on the coding strand, the complement: EPG5 is on the minus strand). VCF-style: chr18-45910594-C-A. GRCh37 (hg19) VCF-style: chr18-43490559-C-A.
Other names: c.4132G>T, p.Glu1378Ter (NM_001410858.1, NM_001410859.1); short protein forms E1378*.
Identifiers: ClinVar variation 2707598 (VCV002707598.3), dbSNP rs2511776301, ClinGen allele CA402339994.

ClinVar aggregate classification (germline): Pathogenic (1 of 4 stars; one submission).

Conditions:
Vici syndrome (VICIS). Identifiers: Orphanet 1493, MedGen C1855772, MONDO:0009452, OMIM 242840.

Submission:

Labcorp Genetics (formerly Invitae), Labcorp
Classification: Pathogenic for Vici syndrome. Last evaluated: 2024-01-04. Review status: criteria provided, single submitter. Criteria: Invitae Variant Classification Sherloc (09022015). Collection method: clinical testing. Allele origin: germline.
Comment: This sequence change creates a premature translational stop signal (p.Glu1378*) in the EPG5 gene. It is expected to result in an absent or disrupted protein product. Loss-of-function variants in EPG5 are known to be pathogenic (PMID: 23222957, 23674064). This variant is not present in population databases (gnomAD no frequency). This variant has not been reported in the literature in individuals affected with EPG5-related conditions. For these reasons, this variant has been classified as Pathogenic.

Literature cited by the submitters: PubMed 23222957; PubMed 23674064.